The following is an entry in ClinVar:

NM_000179.3(MSH6):c.1081C>T (p.Arg361Cys)

Gene: MSH6 (mutS homolog 6; plus strand). Cytogenetic location: 2p16.3.
Variant type: single nucleotide variant.
Coding change: c.1081C>T on transcript NM_000179.3 (MANE Select); coding-DNA position 1081, C replaced by T.
Protein change: p.Arg361Cys; replaces arginine 361 with cysteine.
Molecular consequence: missense variant.
Genome position (GRCh38, 1-based): chr2:47,799,064, C>T. VCF-style: chr2-47799064-C-T. GRCh37 (hg19) VCF-style: chr2-48026203-C-T.
Other names: c.691C>T, p.Arg231Cys (NM_001281492.2); c.175C>T, p.Arg59Cys (NM_001281493.2, NM_001281494.2); short protein forms R361C, R59C, R231C.
Identifiers: ClinVar variation 142698 (VCV000142698.38), dbSNP rs587782651, ClinGen allele CA007972.
Genomic context (GRCh38, chr2:47,799,064, plus strand): 5'-TCTGCCCCTCAAAATTCTGAATCCCAAGCCCACGTTAGTGGAGGTGGTGATGACAGTAGT[C>T]GCCCTACTGTTTGGTATCATGAAACTTTAGAATGGCTTAAGGAGGAAAAGAGAAGAGATG-3'
Protein context (NP_000170.1, residues 351-371): HVSGGGDDSS[Arg361Cys]PTVWYHETLE

ClinVar aggregate classification (germline): Conflicting classifications of pathogenicity. Review status: criteria provided, conflicting classifications (1 of 4 stars). 11 submissions from 11 submitters: Uncertain significance (5); Likely benign (5). 1 of the submissions does not count toward it. Last evaluated 2026-10-01.

Conditions:
Hereditary nonpolyposis colorectal neoplasms. Identifiers: MedGen C0009405, MeSH D003123.
Hereditary cancer-predisposing syndrome. Also called: Neoplastic Syndromes, Hereditary; Tumor predisposition; Hereditary neoplastic syndrome; Hereditary Cancer Syndrome. Identifiers: Orphanet 140162, MedGen C0027672, MeSH D009386, MONDO:0015356.
Lynch syndrome. Identifiers: Orphanet 144, MedGen C4552100, MONDO:0005835. Disease mechanism: loss of function.
Lynch syndrome 5 (LYNCH5). Also called: Colorectal cancer, hereditary nonpolyposis, type 5; Hereditary non-polyposis colorectal cancer, type 5. Identifiers: Orphanet 144, MedGen C1833477, MONDO:0013710, OMIM 614350. Disease mechanism: loss of function.

Allele frequency attached by ClinVar (database versions not stated): gnomAD exomes 0.00001 and 0.00005; TOPMed 0.00006; gnomAD 0.00012.
gnomAD v4.1: 38 of 1,613,958 alleles (0.0024%); highest among the groups gnomAD compares: Admixed American, 0.043%; no homozygotes.

Submissions (11):

St. Jude Molecular Pathology, St. Jude Children's Research Hospital
Classification: Uncertain significance for Lynch syndrome 5. Last evaluated: 2026-10-01. Review status: criteria provided, single submitter. Criteria: St. Jude Assertion Criteria 2020. Collection method: clinical testing. Allele origin: germline.
Comment: The MSH6 c.1081C> T p.(Arg361Cys) missense change has a maximum subpopulation frequency of 0.03% in gnomAD v2.1.1. In silico tools predict a benign effect of this variant on protein function, but to our knowledge this prediction has not been confirmed by functional studies. To our knowledge, this variant has not been reported in individuals with Lynch syndrome or constitutional mismatch repair deficiency. In summary, the evidence currently available is insufficient to determine the clinical significance of this variant. It has therefore been classified as of uncertain significance.

Color Diagnostics, LLC DBA Color Health
Classification: Likely benign for Hereditary cancer-predisposing syndrome. Last evaluated: 2025-11-19. Review status: criteria provided, single submitter. Criteria: ACMG Guidelines, 2015. Collection method: clinical testing. Allele origin: germline.

Labcorp Genetics (formerly Invitae), Labcorp
Classification: Likely benign for Hereditary nonpolyposis colorectal neoplasms. Last evaluated: 2025-08-26. Review status: criteria provided, single submitter. Criteria: Invitae Variant Classification Sherloc (09022015). Collection method: clinical testing. Allele origin: germline.

Ambry Genetics
Classification: Uncertain significance for Hereditary cancer-predisposing syndrome. Last evaluated: 2025-08-18. Review status: criteria provided, single submitter. Criteria: Ambry Variant Classification Scheme 2023. Collection method: clinical testing. Allele origin: germline.
Comment: The p.R361C variant (also known as c.1081C>T), located in coding exon 4 of the MSH6 gene, results from a C to T substitution at nucleotide position 1081. The arginine at codon 361 is replaced by cysteine, an amino acid with highly dissimilar properties. This amino acid position is not well conserved in available vertebrate species. In addition, the in silico prediction for this alteration is inconclusive. Based on the available evidence, the clinical significance of this variant remains unclear.

Women's Health and Genetics/Laboratory Corporation of America, LabCorp
Classification: Likely benign. Last evaluated: 2025-04-07. Review status: criteria provided, single submitter. Criteria: LabCorp Variant Classification Summary - May 2015. Collection method: clinical testing. Allele origin: germline.
Comment: Variant summary: MSH6 c.1081C>T (p.Arg361Cys) results in a non-conservative amino acid change in the encoded protein sequence. Three of five in-silico tools predict a damaging effect of the variant on protein function. The variant allele was found at a frequency of 5.2e-05 in 251080 control chromosomes, predominantly at a frequency of 0.00032 within the Latino subpopulation in the gnomAD database. The observed variant frequency within Latino control individuals in the gnomAD database is approximately 2-fold of the estimated maximal expected allele frequency for a pathogenic variant in MSH6 causing Hereditary Nonpolyposis Colorectal Cancer phenotype (0.00014). c.1081C>T has been reported in the literature in individuals affected with prostate, ovarian, or other cancers, without strong evidence for causality (e.g. Rodrigues_2018, Li_2020, Lerner-Ellis_2021). These reports do not provide unequivocal conclusions about association of the variant with Hereditary Nonpolyposis Colorectal Cancer. To our knowledge, no experimental evidence demonstrating an impact on protein function has been reported. The following publications have been ascertained in the context of this evaluation (PMID: 31391288, 30179225, 32885271). ClinVar contains an entry for this variant (Variation ID: 142698). Based on the evidence outlined above, the variant was classified as likely benign.

Blueprint Genetics
Classification: Uncertain significance. Last evaluated: 2024-10-23. Review status: criteria provided, single submitter. Criteria: ACMG Guidelines, 2015. Collection method: clinical testing. Allele origin: germline.

All of Us Research Program, National Institutes of Health
Classification: Uncertain significance for Lynch syndrome. Last evaluated: 2024-07-29. Review status: criteria provided, single submitter. Criteria: ACMG Guidelines, 2015. Collection method: clinical testing. Allele origin: germline. Inheritance: Autosomal dominant inheritance. Observed: 4 variant alleles, 4 heterozygotes.
Comment: This missense variant replaces arginine with cysteine at codon 361 of the MSH6 protein. Computational prediction suggests that this variant may not impact protein structure and function (internally defined REVEL score threshold <= 0.5, PMID: 27666373). To our knowledge, functional studies have not been reported for this variant. This variant has been reported in an individual affected with an unspecified cancer (PMID: 31391288) and in an individual affected with ovarian cancer (PMID: 32885271). This variant has been identified in 13/251080 chromosomes in the general population by the Genome Aggregation Database (gnomAD). The available evidence is insufficient to determine the role of this variant in disease conclusively. Therefore, this variant is classified as a Variant of Uncertain Significance.

This study involves interpretation of variants in research participants for the purpose of population health screening. Participant phenotype was not available at the time of variant classification. Additional details can be found in publication PMID: 35346344, PMCID: PMC8962531

Quest Diagnostics Nichols Institute San Juan Capistrano
Classification: Uncertain significance. Last evaluated: 2024-07-28. Review status: criteria provided, single submitter. Criteria: Quest Diagnostics criteria. Collection method: clinical testing. Allele origin: unknown.
Comment: The MSH6 c.1081C>T (p.Arg361Cys) variant has been reported in the published literature in an individual with ovarian cancer (PMID: 32885271 (2021)), and in an individual with unspecified cancer (PMID: 31391288 (2020)). The frequency of this variant in the general population, 0.00032 (11/34572 chromosomes in Admixed American subpopulation (Genome Aggregation Database)), is higher than would generally be expected for pathogenic variants in this gene. Analysis of this variant using bioinformatics tools for the prediction of the effect of amino acid changes on protein structure and function yielded predictions that this variant is benign. Based on the available information, we are unable to determine the clinical significance of this variant.

GeneDx
Classification: Likely benign. Last evaluated: 2019-02-26. Review status: criteria provided, single submitter. Criteria: GeneDx Variant Classification Process June 2021. Collection method: clinical testing. Allele origin: germline. Affected: yes.
Comment: This variant is associated with the following publications: (PMID: 24983367, 26900293)

University of Washington Department of Laboratory Medicine, University of Washington
Classification: Likely benign for Lynch syndrome. Last evaluated: 2018-05-01. Review status: criteria provided, single submitter. Criteria: Shirts BH et al. (Am J Hum Genet 2018). Collection method: clinical testing. Allele origin: somatic. Affected: yes.
Comment: MSH6 NM_000179.2:c.1081C>T has a 1.8% probability of pathogenicity based on combining prior probability from public data with a likelihood ratio of 0.16 to 1, generated from evidence of seeing this as a somatic mutation in a tumor with loss of heterozygosity at the MSH6 locus. See Shirts et al 2018, PMID 29887214.

Department of Pathology and Laboratory Medicine, Sinai Health System
Classification: Uncertain significance for Lynch syndrome. Review status: no assertion criteria provided. Collection method: clinical testing. Allele origin: unknown. Affected: yes. Observed: 1 variant allele. Study: The Canadian Open Genetics Repository (COGR). Not counted in ClinVar's aggregate classification.
Comment: The MSH6 p.Arg361Cys variant was not identified in the literature nor was it identified in the COGR, MutDB, UMD-LSDB, Zhejiang University Database, Mismatch Repair Genes Variant Database, or Insight Hereditary Tumors databases. The variant was identified in dbSNP (ID: rs587782651) as "With Uncertain significance allele", ClinVar (classified as uncertain significance by Ambry Genetics, Invitae, Color Genomics, Integrated Genetics/Laboratory Corporation of America), and in Cosmic (1x found in prostate tissue). The variant was identified in control databases in 13 of 245822 chromosomes at a frequency of 0.0001 (Genome Aggregation Database Feb 27, 2017). It was observed in the following populations: â€šÃ„ÃºOtherâ€šÃ„Ã¹ in 1 of 5478 chromosomes (freq: 0.0002), Latino in 11 of 33560 chromosomes (freq: 0.0003), and South Asian in 1 of 30780 chromosomes (freq: 0.00003); it was not observed in the African, European, Ashkenazi Jewish, East Asian, and Finnish populations. The p.Arg361 residue is not conserved in mammals and computational analyses (PolyPhen-2, SIFT, AlignGVGD, BLOSUM, MutationTaster) provide inconsistent predictions regarding the impact to the protein; this information is not very predictive of pathogenicity. The variant occurs outside of the splicing consensus sequence and in silico or computational prediction software programs (SpliceSiteFinder, MaxEntScan, NNSPLICE, GeneSplicer, HumanSpliceFinder) do not predict a difference in splicing. In summary, based on the above information the clinical significance of this variant cannot be determined with certainty at this time. This variant is classified as a variant of uncertain significance.

Literature cited by the submitters: PubMed 29887214 (cited by Ambry Genetics and Quest Diagnostics Nichols Institute San Juan Capistrano); PubMed 32885271 (cited by 4 submitters); PubMed 31391288 (cited by 3 submitters); PubMed 30179225 (cited by Women's Health and Genetics/Laboratory Corporation of America, LabCorp and Quest Diagnostics Nichols Institute San Juan Capistrano).